The following is an entry in ClinVar:

ClinVar aggregate classification (germline): Conflicting classifications of pathogenicity. Review status: criteria provided, conflicting classifications (1 of 4 stars). 3 submissions from 3 submitters: Uncertain significance (2); Likely benign (1). Last evaluated 2026-04-09.

Conditions:
Primary ciliary dyskinesia. Also called: Ciliary dyskinesia. Identifiers: Orphanet 244, MedGen C0008780, MONDO:0016575, HP:0012265.
Joubert syndrome. Also called: JOUBERT-BOLTSHAUSER SYNDROME; Familial aplasia of the vermis. Identifiers: Orphanet 475, MedGen C5979921, MONDO:0018772.
Orofaciodigital syndrome I (OFD1). Also called: OFDS I; Papillon-Leage and Psaume Syndrome; Oral-Facial-Digital Syndrome Type I. Identifiers: Orphanet 2750, MedGen C1510460, MONDO:0010702, OMIM 311200.

Allele frequency attached by ClinVar (database versions not stated): gnomAD exomes below 0.00001 and 0.00003; gnomAD 0.00001; TOPMed 0.00001; ExAC 0.00002.
gnomAD v4.1: 6 of 1,188,878 alleles (0.0005%); highest among the groups gnomAD compares: Admixed American, 0.013%; no homozygotes.

Submissions (3):

Women's Health and Genetics/Laboratory Corporation of America, LabCorp
Classification: Uncertain significance. Last evaluated: 2026-04-09. Review status: criteria provided, single submitter. Criteria: LabCorp Variant Classification Summary - May 2015. Collection method: clinical testing. Allele origin: germline.
Comment: Variant summary: OFD1 c.345T>G (p.Ile115Met) results in a conservative amino acid change in the encoded protein sequence. Algorithms developed to predict the effect of missense changes on protein structure and function are either unavailable or do not agree on the potential impact of this missense change. The variant allele was found at a frequency of 2.7e-05 in 183057 control chromosomes. The available data on variant occurrences in the general population are insufficient to allow any conclusion about variant significance. To our knowledge, no occurrence of c.345T>G in individuals affected with OFD1-related conditions and no experimental evidence demonstrating its impact on protein function have been reported. ClinVar contains an entry for this variant (Variation ID: 1568806). Based on the evidence outlined above, the variant was classified as uncertain significance.

Labcorp Genetics (formerly Invitae), Labcorp
Classification: Likely benign for Orofaciodigital syndrome I; Joubert syndrome. Last evaluated: 2025-05-30. Review status: criteria provided, single submitter. Criteria: Invitae Variant Classification Sherloc (09022015). Collection method: clinical testing. Allele origin: germline.

Ambry Genetics
Classification: Uncertain significance for Primary ciliary dyskinesia. Last evaluated: 2019-08-22. Review status: criteria provided, single submitter. Criteria: Ambry Variant Classification Scheme 2023. Collection method: clinical testing. Allele origin: germline.
Comment: The p.I115M variant (also known as c.345T>G), located in coding exon 4 of the OFD1 gene, results from a T to G substitution at nucleotide position 345. The isoleucine at codon 115 is replaced by methionine, an amino acid with highly similar properties. This amino acid position is not well conserved in available vertebrate species. In addition, this alteration is predicted to be tolerated by in silico analysis. Since supporting evidence is limited at this time, the clinical significance of this alteration remains unclear.

NM_003611.3(OFD1):c.345T>G (p.Ile115Met)

Gene: OFD1 (OFD1 centriole and centriolar satellite protein; plus strand). Cytogenetic location: Xp22.2.
Variant type: single nucleotide variant.
Coding change: c.345T>G on transcript NM_003611.3 (MANE Select); coding-DNA position 345, T replaced by G.
Protein change: p.Ile115Met; replaces isoleucine 115 with methionine.
Molecular consequence: missense variant. On other transcripts: 5 prime UTR variant (1).
Genome position (GRCh38, 1-based): chrX:13,738,878, T>G. VCF-style: chrX-13738878-T-G. GRCh37 (hg19) VCF-style: chrX-13756997-T-G.
Other names: c.345T>G, p.Ile115Met (NM_001330209.2); c.-201T>G (NM_001330210.2); short protein forms I115M.
Identifiers: ClinVar variation 1568806 (VCV001568806.11), dbSNP rs751918276, ClinGen allele CA10351576.